The following is an entry in ClinVar:

ClinVar aggregate classification (germline): Uncertain significance. Review status: criteria provided, multiple submitters, no conflicts (2 of 4 stars). 2 submissions from 2 submitters: Uncertain significance (2). Last evaluated 2022-10-20.

Conditions:
Familial thoracic aortic aneurysm and aortic dissection (TAAD). Also called: Thoracic aortic aneurysms and dissections. Identifiers: Orphanet 91387, MedGen C4707243, MONDO:0019625.
Hereditary cancer-predisposing syndrome. Also called: Neoplastic Syndromes, Hereditary; Tumor predisposition; Hereditary neoplastic syndrome; Hereditary Cancer Syndrome. Identifiers: Orphanet 140162, MedGen C0027672, MeSH D009386, MONDO:0015356.
Juvenile polyposis syndrome (JPS). Identifiers: Orphanet 2929, MedGen C0345893, MONDO:0017380, OMIM 174900.

Allele frequency attached by ClinVar (database versions not stated): gnomAD exomes below 0.00001.
gnomAD v4.1: 1 of 1,612,228 alleles (0.000062%); highest among the groups gnomAD compares: Non-Finnish European, 0.000085%; no homozygotes.

Submissions (2):

Ambry Genetics
Classification: Uncertain significance for Hereditary cancer-predisposing syndrome; Familial thoracic aortic aneurysm and aortic dissection. Last evaluated: 2022-10-20. Review status: criteria provided, single submitter. Criteria: Ambry Variant Classification Scheme 2023. Collection method: clinical testing. Allele origin: germline.
Comment: The p.S221F variant (also known as c.662C>T), located in coding exon 4 of the SMAD4 gene, results from a C to T substitution at nucleotide position 662. The serine at codon 221 is replaced by phenylalanine, an amino acid with highly dissimilar properties. This amino acid position is highly conserved in available vertebrate species. In addition, the in silico prediction for this alteration is inconclusive. Since supporting evidence is limited at this time, the clinical significance of this alteration remains unclear.

Labcorp Genetics (formerly Invitae), Labcorp
Classification: Uncertain significance for Juvenile polyposis syndrome. Last evaluated: 2022-03-28. Review status: criteria provided, single submitter. Criteria: Invitae Variant Classification Sherloc (09022015). Collection method: clinical testing. Allele origin: germline.
Comment: In summary, the available evidence is currently insufficient to determine the role of this variant in disease. Therefore, it has been classified as a Variant of Uncertain Significance. Advanced modeling of protein sequence and biophysical properties (such as structural, functional, and spatial information, amino acid conservation, physicochemical variation, residue mobility, and thermodynamic stability) performed at Invitae indicates that this missense variant is not expected to disrupt SMAD4 protein function. This variant has not been reported in the literature in individuals affected with SMAD4-related conditions. This variant is not present in population databases (gnomAD no frequency). This sequence change replaces serine, which is neutral and polar, with phenylalanine, which is neutral and non-polar, at codon 221 of the SMAD4 protein (p.Ser221Phe).

NM_005359.6(SMAD4):c.662C>T (p.Ser221Phe)

Gene: SMAD4 (SMAD family member 4; plus strand). Cytogenetic location: 18q21.2.
Variant type: single nucleotide variant.
Coding change: c.662C>T on transcript NM_005359.6 (MANE Select); coding-DNA position 662, C replaced by T.
Protein change: p.Ser221Phe; replaces serine 221 with phenylalanine.
Molecular consequence: missense variant.
Genome position (GRCh38, 1-based): chr18:51,054,988, C>T. VCF-style: chr18-51054988-C-T. GRCh37 (hg19) VCF-style: chr18-48581358-C-T.
Other names: c.662C>T, p.Ser221Phe (NM_001407041.1, NM_001407042.1, NM_001407043.1); short protein forms S221F.
Identifiers: ClinVar variation 1754565 (VCV001754565.8), dbSNP rs2144419686, ClinGen allele CA402461357.